The following is an entry in ClinVar:

NM_000266.4(NDP):c.370_372del (p.Leu124del)

Genes: NDP (norrin cystine knot growth factor NDP; minus strand), NDP-AS1 (NDP antisense RNA 1; plus strand). Cytogenetic location: Xp11.3.
Variant type: Deletion.
Coding change: c.370_372del on transcript NM_000266.4 (MANE Select); coding-DNA positions 370 to 372, 3 bases deleted (CTC; older notation c.370_372delCTC).
Protein change: p.Leu124del; deletes leucine 124.
Molecular consequence: inframe deletion. On other transcripts: non-coding transcript variant (1).
Genome position (GRCh38, 1-based): chrX:43,949,829-43,949,831, GAG deleted on the plus strand (CTC on the coding strand, the reverse complement: NDP is on the minus strand); deleting any 3 consecutive bases within chrX:43,949,829-43,949,833 gives the same sequence; the c. name uses the placement nearest the transcript's 3' end. VCF-style (leftmost placement, unchanged base first): chrX-43949828-AGAG-A. GRCh37 (hg19) VCF-style: chrX-43809074-AGAG-A.
Other names: short protein forms L124del.
Identifiers: ClinVar variation 4715085 (VCV004715085.1).

ClinVar aggregate classification (germline): Pathogenic (1 of 4 stars; one submission).

Submission:

Labcorp Genetics (formerly Invitae), Labcorp
Classification: Pathogenic. Last evaluated: 2025-03-13. Review status: criteria provided, single submitter. Criteria: Invitae Variant Classification Sherloc (09022015). Collection method: clinical testing. Allele origin: germline.
Comment: This variant, c.370_372del, results in the deletion of 1 amino acid(s) of the NDP protein (p.Leu124del), but otherwise preserves the integrity of the reading frame. This variant is not present in population databases (gnomAD no frequency). This variant has not been reported in the literature in individuals affected with NDP-related conditions. This variant disrupts a region of the NDP protein in which other variant(s) (p.Leu124Phe) have been determined to be pathogenic (PMID: 8252044). This suggests that this is a clinically significant region of the protein, and that variants that disrupt it are likely to be disease-causing. For these reasons, this variant has been classified as Pathogenic.

Literature cited by the submitters: PubMed 8252044.